The following is an entry in ClinVar:

ClinVar aggregate classification (germline): Uncertain significance. Review status: criteria provided, multiple submitters, no conflicts (2 of 4 stars). 2 submissions from 2 submitters: Uncertain significance (2). Last evaluated 2023-10-31.

Conditions:
Spermatogenic failure 18. Identifiers: MedGen C4539783, MONDO:0054615, OMIM 617576.
Ciliary dyskinesia, primary, 37 (CILD37). Also called: CILIARY DYSKINESIA, PRIMARY, 37, WITH OR WITHOUT SITUS INVERSUS. Identifiers: MedGen C4539798, MONDO:0033204, OMIM 617577.

Allele frequency attached by ClinVar (database versions not stated): ExAC 0.00005; TOPMed 0.00005; gnomAD 0.00006; gnomAD exomes 0.00008; 1000 Genomes Project 0.00020; 1000 Genomes Project 30x 0.00031.
gnomAD v4.1: 31 of 1,613,810 alleles (0.0019%); highest among the groups gnomAD compares: Admixed American, 0.043%; no homozygotes.

Submissions (2):

Mayo Clinic Laboratories, Mayo Clinic
Classification: Uncertain significance. Last evaluated: 2023-10-31. Review status: criteria provided, single submitter. Criteria: ACMG Guidelines, 2015. Collection method: clinical testing. Allele origin: germline. Observed: 1 variant allele.
Comment: BP5

Labcorp Genetics (formerly Invitae), Labcorp
Classification: Uncertain significance for Ciliary dyskinesia, primary, 37; Spermatogenic failure 18. Last evaluated: 2022-07-26. Review status: criteria provided, single submitter. Criteria: Invitae Variant Classification Sherloc (09022015). Collection method: clinical testing. Allele origin: germline.
Comment: This sequence change replaces alanine, which is neutral and non-polar, with proline, which is neutral and non-polar, at codon 2432 of the DNAH1 protein (p.Ala2432Pro). This variant is present in population databases (rs546597830, gnomAD 0.05%). This variant has not been reported in the literature in individuals affected with DNAH1-related conditions. ClinVar contains an entry for this variant (Variation ID: 1407565). Algorithms developed to predict the effect of missense changes on protein structure and function are either unavailable or do not agree on the potential impact of this missense change (SIFT: "Deleterious"; PolyPhen-2: "Probably Damaging"; Align-GVGD: "Class C0"). In summary, the available evidence is currently insufficient to determine the role of this variant in disease. Therefore, it has been classified as a Variant of Uncertain Significance.

NM_015512.5(DNAH1):c.7294G>C (p.Ala2432Pro)

Gene: DNAH1 (dynein axonemal heavy chain 1; plus strand). Cytogenetic location: 3p21.1.
Variant type: single nucleotide variant.
Coding change: c.7294G>C on transcript NM_015512.5 (MANE Select); coding-DNA position 7294, G replaced by C.
Protein change: p.Ala2432Pro; replaces alanine 2432 with proline.
Molecular consequence: missense variant.
Genome position (GRCh38, 1-based): chr3:52,378,697, G>C. VCF-style: chr3-52378697-G-C. GRCh37 (hg19) VCF-style: chr3-52412713-G-C.
Other names: p.Ala2432Pro; short protein forms A2432P.
Identifiers: ClinVar variation 1407565 (VCV001407565.6), dbSNP rs546597830, ClinGen allele CA2434842.